The following is an entry in ClinVar:

ClinVar aggregate classification (germline): Likely benign. Review status: criteria provided, single submitter (1 of 4 stars). 2 submissions from 2 submitters: Likely benign (1). 1 of the submissions does not count toward it. Last evaluated 2022-12-13.

Conditions:
PHIP-related disorder. Also called: PHIP-related condition; PHIP-related disorders.

Allele frequency attached by ClinVar (database versions not stated): gnomAD exomes below 0.00001; ExAC 0.00001; gnomAD 0.00002; TOPMed 0.00002.
gnomAD v4.1: 4 of 1,571,028 alleles (0.00025%); highest among the groups gnomAD compares: African/African-American, 0.0054%; no homozygotes.

Submissions (2):

Labcorp Genetics (formerly Invitae), Labcorp
Classification: Likely benign. Last evaluated: 2022-12-13. Review status: criteria provided, single submitter. Criteria: Invitae Variant Classification Sherloc (09022015). Collection method: clinical testing. Allele origin: germline.

PreventionGenetics, part of Exact Sciences
Classification: Likely benign for PHIP-related condition. Last evaluated: 2022-06-28. Review status: no assertion criteria provided. Collection method: clinical testing. Allele origin: germline. Not counted in ClinVar's aggregate classification.
Comment: This variant is classified as likely benign based on ACMG/AMP sequence variant interpretation guidelines (Richards et al. 2015 PMID: 25741868, with internal and published modifications).

NM_017934.7(PHIP):c.1235+8G>T

Gene: PHIP (PHIP subunit of CUL4-Ring ligase complex; minus strand). Cytogenetic location: 6q14.1.
Variant type: single nucleotide variant.
Coding change: c.1235+8G>T on transcript NM_017934.7 (MANE Select); 8 bases into the intron after coding-DNA position 1235, G replaced by T.
Molecular consequence: intron variant.
Genome position (GRCh38, 1-based): chr6:79,016,536, C>A on the plus strand (G>T on the coding strand, the complement: PHIP is on the minus strand). VCF-style: chr6-79016536-C-A. GRCh37 (hg19) VCF-style: chr6-79726253-C-A.
Other names: c.1235+8G>T (NM_017934.6).
Identifiers: ClinVar variation 2779123 (VCV002779123.4), dbSNP rs766498845, ClinGen allele CA3900202.
Genomic context (GRCh38, chr6:79,016,536, plus strand): 5'-ACCAACCTGCACTATAACATACTTTAAAAAATCAATATATACATAATATTTCAAATTTGA[C>A]CTCTTACCCTGCTGGACGAGTAGCCATATCCAACAAAATGCTCTTCCACTCTCTTCGTTT-3'